The following is an entry in ClinVar:

ClinVar aggregate classification (germline): Pathogenic (1 of 4 stars; one submission).

Conditions:
Polycystic kidney disease 4 (PKD4). Also called: POLYCYSTIC KIDNEY AND HEPATIC DISEASE 1; POLYCYSTIC KIDNEY DISEASE, INFANTILE, TYPE I; POLYCYSTIC KIDNEY DISEASE 4 WITH OR WITHOUT POLYCYSTIC LIVER DISEASE; PKD3; Autosomal Recessive Polycystic Kidney Disease – PKHD1. Identifiers: MedGen C4540575, MONDO:0033004, OMIM 263200.

Submission:

Myriad Genetics, Inc.
Classification: Pathogenic for Polycystic kidney disease 4. Last evaluated: 2024-07-22. Review status: criteria provided, single submitter. Criteria: Myriad Autosomal Dominant, Autosomal Recessive and X-Linked Classification Criteria (2023). Collection method: clinical testing. Allele origin: unknown.
Comment: NM_138694.3(PKHD1):c.5685_5686insGG(T1896Gfs*79) is expected to be pathogenic in the context of autosomal recessive polycystic kidney disease, PKHD1-related. This variant is predicted to lead to an abnormal or absent protein product due to the creation of a premature termination codon in PKHD1, a gene where loss-of-function variants are known to be pathogenic. Please note: this variant was assessed in the context of healthy population screening.

NM_138694.4(PKHD1):c.5685_5686insGG (p.Thr1896fs)

Gene: PKHD1 (PKHD1 ciliary IPT domain containing fibrocystin/polyductin; minus strand). Cytogenetic location: 6p12.2.
Variant type: Insertion.
Coding change: c.5685_5686insGG on transcript NM_138694.4 (MANE Select); coding-DNA positions 5685 to 5686, GG inserted.
Protein change: p.Thr1896fs; shifts the reading frame from threonine 1896.
Molecular consequence: frameshift variant.
Genome position: GRCh38 VCF-style: chr6-52010374-T-TCC. GRCh37 (hg19) VCF-style: chr6-51875172-T-TCC.
Other names: c.5685_5686insGG, p.Thr1896fs (NM_170724.3); short protein forms T1896fs.
Identifiers: ClinVar variation 5013349 (VCV005013349.1).